The following is an entry in ClinVar:

ClinVar aggregate classification (germline): Benign/Likely benign. Review status: criteria provided, single submitter (1 of 4 stars). 2 submissions from 1 submitter: Benign (1); Likely benign (1). Last evaluated 2018-01-13.

Conditions:
EAST syndrome (SESAMES). Also called: SEIZURES, SENSORINEURAL DEAFNESS, ATAXIA, IMPAIRED INTELLECTUAL DEVELOPMENT, AND ELECTROLYTE IMBALANCE. Identifiers: Orphanet 199343, MedGen C2748572, MONDO:0013005, OMIM 612780.
Autosomal recessive nonsyndromic hearing loss 4 (DFNB4). Also called: Deafness, autosomal recessive 4; NEUROSENSORY NONSYNDROMIC RECESSIVE DEAFNESS 4; FOXI1-Related Pendred Syndrome; KCNJ10-Related Pendred Syndrome; DEAFNESS, AUTOSOMAL RECESSIVE 4, WITH ENLARGED VESTIBULAR AQUEDUCT, DIGENIC; Nonsyndromic enlarged vestibular aqueduct (NSEVA). Identifiers: Orphanet 90636, MedGen C3538946, MONDO:0010933, OMIM 600791.

Allele frequency attached by ClinVar (database versions not stated): gnomAD 0.02141 and 0.02236; TOPMed 0.02376; 1000 Genomes Project 0.02396; 1000 Genomes Project 30x 0.02467.

Submissions (2):

Illumina Laboratory Services, Illumina
Classification: Likely benign for Autosomal recessive nonsyndromic hearing loss 4. Last evaluated: 2018-01-13. Review status: criteria provided, single submitter. Criteria: ICSL Variant Classification Criteria 13 December 2019. Collection method: clinical testing. Allele origin: germline.
Comment: This variant was observed in the ICSL laboratory as part of a predisposition screen in an ostensibly healthy population. It had not been previously curated by ICSL or reported in the Human Gene Mutation Database (HGMD: prior to June 1st, 2018), and was therefore a candidate for classification through an automated scoring system. Utilizing variant allele frequency, disease prevalence and penetrance estimates, and inheritance mode, an automated score was calculated to assess if this variant is too frequent to cause the disease. Based on the score and internal cut-off values, a variant classified as likely benign is not then subjected to further curation. The score for this variant resulted in a classification of likely benign for this disease.

Illumina Laboratory Services, Illumina
Classification: Benign for EAST syndrome. Last evaluated: 2018-01-13. Review status: criteria provided, single submitter. Criteria: ICSL Variant Classification Criteria 13 December 2019. Collection method: clinical testing. Allele origin: germline.
Comment: This variant was observed in the ICSL laboratory as part of a predisposition screen in an ostensibly healthy population. It had not been previously curated by ICSL or reported in the Human Gene Mutation Database (HGMD: prior to June 1st, 2018), and was therefore a candidate for classification through an automated scoring system. Utilizing variant allele frequency, disease prevalence and penetrance estimates, and inheritance mode, an automated score was calculated to assess if this variant is too frequent to cause the disease. Based on the score and internal cut-off values, a variant classified as benign is not then subjected to further curation. The score for this variant resulted in a classification of benign for this disease.

NM_002241.5(KCNJ10):c.*1430C>T

Gene: KCNJ10 (potassium inwardly rectifying channel subfamily J member 10; minus strand). Cytogenetic location: 1q23.2.
Variant type: single nucleotide variant.
Coding change: c.*1430C>T on transcript NM_002241.5 (MANE Select); 1430 bases downstream of the stop codon, C replaced by T.
Molecular consequence: 3 prime UTR variant.
Genome position (GRCh38, 1-based): chr1:160,039,963, G>A on the plus strand (C>T on the coding strand, the complement: KCNJ10 is on the minus strand). VCF-style: chr1-160039963-G-A. GRCh37 (hg19) VCF-style: chr1-160009753-G-A.
Identifiers: ClinVar variation 876413 (VCV000876413.4), dbSNP rs114242410, ClinGen allele CA31468911.